The following is an entry in ClinVar:

ClinVar aggregate classification (germline): Pathogenic. Review status: criteria provided, multiple submitters, no conflicts (2 of 4 stars). 5 submissions from 5 submitters: Pathogenic (4). 1 of the submissions does not count toward it. Last evaluated 2025-02-18.

Conditions:
Cataract 1 multiple types. Also called: CATARACT 1, POSTERIOR SUBCAPSULAR, WITH MICROCORNEA; CATARACT 1, STELLATE NUCLEAR, WITH MICROCORNEA; CATARACT, DUFFY-LINKED; CATARACT 1, MULTIPLE TYPES, WITH OR WITHOUT MICROCORNEA; CATARACT 1, NUCLEAR PROGRESSIVE; CATARACT 1 WITH MICROCORNEA. Identifiers: Orphanet 1377, MedGen C1861828, MONDO:0007285, OMIM 116200.
Inborn genetic diseases. Identifiers: MedGen C0950123, MeSH D030342.

Submissions (5):

Molecular Genetics of Human Eye Development, Oxford Brookes University
Classification: Pathogenic for Cataract 1 multiple types. Last evaluated: 2025-02-18. Review status: criteria provided, single submitter. Criteria: ACMG Guidelines, 2015. Collection method: clinical testing. Allele origin: inherited. Affected: yes. Observed: 1 variant allele.
Comment: The GJA8 c.130G>A; p.(Val44Met) variant was identified in a family with three individuals displaying dominant bilateral congenital cataract. The variant is absent in genomic databases, including gnomAD v4.1, and predicted deleterious/damaging by several in silico prediction tools including SIFT, PolyPhen and AlphaMissense. The variant has been previously reported in patients with congential eye anomalies (PMID: 28392901; PMID:30078984). The variant is classified pathogenic using PS1, PM1, PM2, PP1, PP3.

Labcorp Genetics (formerly Invitae), Labcorp
Classification: Pathogenic for Cataract 1 multiple types. Last evaluated: 2024-10-10. Review status: criteria provided, single submitter. Criteria: Invitae Variant Classification Sherloc (09022015). Collection method: clinical testing. Allele origin: germline.
Comment: This sequence change replaces valine, which is neutral and non-polar, with methionine, which is neutral and non-polar, at codon 44 of the GJA8 protein (p.Val44Met). This variant is not present in population databases (gnomAD no frequency). This missense change has been observed in individuals with clinical features of autosomal dominant congenital cataract (PMID: 24968223, 30078984; internal data). ClinVar contains an entry for this variant (Variation ID: 1704073). Invitae Evidence Modeling of protein sequence and biophysical properties (such as structural, functional, and spatial information, amino acid conservation, physicochemical variation, residue mobility, and thermodynamic stability) indicates that this missense variant is expected to disrupt GJA8 protein function with a positive predictive value of 95%. This variant disrupts the p.Val44 amino acid residue in GJA8. Other variant(s) that disrupt this residue have been determined to be pathogenic (PMID: 25517998). This suggests that this residue is clinically significant, and that variants that disrupt this residue are likely to be disease-causing. For these reasons, this variant has been classified as Pathogenic.

Ambry Genetics
Classification: Pathogenic for Inborn genetic diseases. Last evaluated: 2024-04-01. Review status: criteria provided, single submitter. Criteria: Ambry Variant Classification Scheme 2023. Collection method: clinical testing. Allele origin: germline.
Comment: The c.130G>A (p.V44M) alteration is located in exon 2 (coding exon 1) of the GJA8 gene. This alteration results from a G to A substitution at nucleotide position 130, causing the valine (V) at amino acid position 44 to be replaced by a methionine (M). This variant was not reported in population-based cohorts in the Genome Aggregation Database (gnomAD). This variant has been detected in multiple families with autosomal dominant cataracts (Sun, 2014; Mohebi, 2017; Zhang, 2018; External communication). Additionally, this variant has been determined to be the result of a de novo mutation in one individual with congenital cataracts, glaucoma, developmental delay, and other related features (External communication). Two other alterations at the same codon, c.131T>C (p.V44A) and c.131T>A (p.V44E), have been detected in individuals with a personal and family history of cataracts (Devi, 2006; Zhu, 2014). This amino acid position is highly conserved in available vertebrate species. Based on internal structural analysis, V44M is deleterious (Ambry internal data). This alteration is predicted to be deleterious by in silico analysis. Based on the available evidence, this alteration is classified as pathogenic.

GeneDx
Classification: Pathogenic. Last evaluated: 2022-03-04. Review status: criteria provided, single submitter. Criteria: GeneDx Variant Classification Process June 2021. Collection method: clinical testing. Allele origin: germline. Affected: yes.
Comment: In silico analysis supports that this missense variant does not alter protein structure/function; Not observed at significant frequency in large population cohorts (gnomAD); This variant is associated with the following publications: (PMID: 24968223, 27275416, 20431721, 24772942, 21897748, 30078984, 28392901)

Dept. Genetics and Cancer, Menzies Institute for Medical Research, University of Tasmania
Classification: Uncertain significance for Cataract 1 multiple types. Last evaluated: 2023-01-21. Review status: flagged submission. Criteria: ACMG Guidelines, 2015. Collection method: curation. Allele origin: germline. Affected: yes. Not counted in ClinVar's aggregate classification.
Comment: Variant identified and curated during a GJA8 specific review of the literature in relation to pediatric or congenital cataract. ACMG-AMP criteria applied: PS4(Supporting), PM1(Supporting), PM2(Supporting), PP1, PP3. Original variant report: PMID:24968223;28392901;30078984. The cataract phenotype reported in these individual/s is: Posterior polar and Nuclear. Additional phenotype/s reported for this variant are: Nystagmus. Gene review and curation guidelines are outlined in: DOI 10.1080/17469899.2023.2160320
ClinVar note: Reason: Outlier claim with insufficient supporting evidence

Literature cited by the submitters: PubMed 28392901 (cited by 3 submitters); PubMed 24968223 (cited by 3 submitters); PubMed 30078984 (cited by 3 submitters); PubMed 25517998 (cited by Labcorp Genetics (formerly Invitae), Labcorp and Ambry Genetics); PubMed 16604058 (cited by Ambry Genetics).

NM_005267.5(GJA8):c.130G>A (p.Val44Met)

Gene: GJA8 (gap junction protein alpha 8; plus strand). Cytogenetic location: 1q21.2.
Variant type: single nucleotide variant.
Coding change: c.130G>A on transcript NM_005267.5 (MANE Select); coding-DNA position 130, G replaced by A.
Protein change: p.Val44Met; replaces valine 44 with methionine.
Molecular consequence: missense variant.
Genome position (GRCh38, 1-based): chr1:147,908,085, G>A. VCF-style: chr1-147908085-G-A. GRCh37 (hg19) VCF-style: chr1-147380212-G-A.
Other names: short protein forms V44M.
Identifiers: ClinVar variation 1704073 (VCV001704073.12), dbSNP rs782184691, ClinGen allele CA342223243.